The following is an entry in ClinVar:

ClinVar aggregate classification (germline): Pathogenic (1 of 4 stars; one submission).

Submission:

Labcorp Genetics (formerly Invitae), Labcorp
Classification: Pathogenic. Last evaluated: 2020-08-10. Review status: criteria provided, single submitter. Criteria: Invitae Variant Classification Sherloc (09022015). Collection method: clinical testing. Allele origin: germline.
Comment: This variant has not been reported in the literature in individuals with SLC4A11-related conditions. For these reasons, this variant has been classified as Pathogenic. Loss-of-function variants in SLC4A11 are known to be pathogenic (PMID: 17220209, 17679935). This variant is a gross deletion of the genomic region encompassing exons 1-6 of the SLC4A11 gene, which includes the initiator codon. The 5' end of this event is unknown as it extends beyond the assayed region for this gene and therefore may encompass additional genes. The 3' boundary is likely confined to intron 6 of the SLC4A11 gene. This is expected to result in an absent or disrupted protein product.

Literature cited by the submitters: PubMed 17220209; PubMed 17679935.

NC_000020.10:g.(?_3214150)_(3219846_?)del

Gene: SLC4A11 (solute carrier family 4 member 11; minus strand). Cytogenetic location: 20p13.
Variant type: Deletion.
Identifiers: ClinVar variation 1070391 (VCV001070391.5).